The following is an entry in ClinVar:

ClinVar aggregate classification (germline): Uncertain significance (1 of 4 stars; one submission).

Allele frequency attached by ClinVar (database versions not stated): TOPMed below 0.00001; gnomAD 0.00001; gnomAD exomes 0.00002; 1000 Genomes Project 30x 0.00016; 1000 Genomes Project 0.00020; ExAC 0.00055.
gnomAD v4.1: 6 of 1,360,180 alleles (0.00044%); highest among the groups gnomAD compares: East Asian, 0.0034%; no homozygotes.

Submission:

Labcorp Genetics (formerly Invitae), Labcorp
Classification: Uncertain significance. Last evaluated: 2023-09-14. Review status: criteria provided, single submitter. Criteria: Invitae Variant Classification Sherloc (09022015). Collection method: clinical testing. Allele origin: germline.
Comment: An algorithm developed to predict the effect of missense changes on protein structure and function (PolyPhen-2) suggests that this variant is likely to be tolerated. This sequence change replaces alanine, which is neutral and non-polar, with valine, which is neutral and non-polar, at codon 2 of the RASA2 protein (p.Ala2Val). The frequency data for this variant in the population databases is considered unreliable, as metrics indicate poor data quality at this position in the gnomAD database. This variant has not been reported in the literature in individuals affected with RASA2-related conditions. ClinVar contains an entry for this variant (Variation ID: 1432016). In summary, the available evidence is currently insufficient to determine the role of this variant in disease. Therefore, it has been classified as a Variant of Uncertain Significance.

NM_006506.5(RASA2):c.5C>T (p.Ala2Val)

Genes: RASA2 (RAS p21 protein activator 2; plus strand), LOC129937686 (ATAC-STARR-seq lymphoblastoid silent region 14777; plus strand). Cytogenetic location: 3q23.
Variant type: single nucleotide variant.
Coding change: c.5C>T on transcript NM_006506.5 (MANE Select); coding-DNA position 5, C replaced by T.
Protein change: p.Ala2Val; replaces alanine 2 with valine.
Molecular consequence: missense variant.
Genome position (GRCh38, 1-based): chr3:141,487,088, C>T. VCF-style: chr3-141487088-C-T. GRCh37 (hg19) VCF-style: chr3-141205930-C-T.
Other names: c.5C>T, p.Ala2Val (NM_001303245.3, NM_001303246.3); short protein forms A2V.
Identifiers: ClinVar variation 1432016 (VCV001432016.6), dbSNP rs538827438, ClinGen allele CA2645069.